The following is an entry in ClinVar:

NM_004656.4(BAP1):c.745_783+57delinsTGG

Gene: BAP1 (BRCA1 associated deubiquitinase 1; minus strand). Cytogenetic location: 3p21.1.
Variant type: Indel.
Coding change: c.745_783+57delinsTGG on transcript NM_004656.4 (MANE Select); coding-DNA position 745 through 57 bases into the intron after coding-DNA position 783, the reference bases replaced by TGG.
Molecular consequence: splice donor variant.
Genome position (GRCh38, 1-based): chr3:52,406,196-52,406,291, 96 bases replaced. GRCh37 (hg19): chr3:52,440,212-52,440,307.
Identifiers: ClinVar variation 1758978 (VCV001758978.2), dbSNP rs2471342655, ClinGen allele CA2580070300.

ClinVar aggregate classification (germline): Likely pathogenic (1 of 4 stars; one submission).

Conditions:
Hereditary cancer-predisposing syndrome. Also called: Neoplastic Syndromes, Hereditary; Tumor predisposition; Hereditary Cancer Syndrome; Hereditary neoplastic syndrome. Identifiers: Orphanet 140162, MedGen C0027672, MeSH D009386, MONDO:0015356.

Submission:

Ambry Genetics
Classification: Likely pathogenic for Hereditary cancer-predisposing syndrome. Last evaluated: 2022-08-02. Review status: criteria provided, single submitter. Criteria: Ambry Variant Classification Scheme 2023. Collection method: clinical testing. Allele origin: germline.
Comment: The c.745_783+57del96insTGG variant results from a deletion of 96 nucleotides and insertion of 3 nucleotides between positions 745 and 783+57. This alteration involves the canonical splice donor site after coding exon 9 of the BAP1 gene. The canonical splice acceptor site is highly conserved in available vertebrate species. RNA studies have demonstrated that this alteration results in abnormal splicing in the set of samples tested (Ambry internal data). Alterations that disrupt the canonical splice site are expected to cause aberrant splicing, resulting in an abnormal protein or a transcript that is subject to nonsense-mediated mRNA decay. As such, this alteration is classified as likely pathogenic.